The following is an entry in ClinVar:

ClinVar aggregate classification (germline): Likely pathogenic (1 of 4 stars; one submission).

Submission:

Labcorp Genetics (formerly Invitae), Labcorp
Classification: Likely pathogenic. Last evaluated: 2023-09-01. Review status: criteria provided, single submitter. Criteria: Invitae Variant Classification Sherloc (09022015). Collection method: clinical testing. Allele origin: germline.
Comment: This variant is not present in population databases (gnomAD no frequency). In summary, the currently available evidence indicates that the variant is pathogenic, but additional data are needed to prove that conclusively. Therefore, this variant has been classified as Likely Pathogenic. This variant has not been reported in the literature in individuals affected with TPO-related conditions. This variant results in the deletion of part of exon 8 (c.1262_1338+54del) of the TPO gene. It is expected to disrupt RNA splicing. Variants that disrupt the donor or acceptor splice site typically lead to a loss of protein function (PMID: 16199547), and loss-of-function variants in TPO are known to be pathogenic (PMID: 11061528, 23236987, 25564141).

Literature cited by the submitters: PubMed 16199547; PubMed 11061528; PubMed 23236987; PubMed 25564141.

NM_001206744.2(TPO):c.1262_1338+54del

Gene: TPO (thyroid peroxidase; plus strand). Cytogenetic location: 2p25.3.
Variant type: Deletion.
Coding change: c.1262_1338+54del on transcript NM_001206744.2 (MANE Select); coding-DNA position 1262 through 54 bases into the intron after coding-DNA position 1338, 131 bases deleted.
Molecular consequence: splice donor variant. On other transcripts: intron variant (1).
Genome position (GRCh38, 1-based): chr2:1,477,528-1,477,658, 131 bases deleted. GRCh37 (hg19): chr2:1,481,300-1,481,430.
Other names: c.1262_1338+54del (NM_175719.4, NM_001206745.2, NM_175721.3 and 1 more transcripts); c.820-7068_820-6938del (NM_175722.3).
Identifiers: ClinVar variation 2757336 (VCV002757336.3), dbSNP rs2546099543, ClinGen allele CA2697547787.